The following is an entry in ClinVar:

ClinVar aggregate classification (germline): Benign/Likely benign. Review status: criteria provided, multiple submitters, no conflicts (2 of 4 stars). 6 submissions from 6 submitters: Benign (4); Likely benign (1). 1 of the submissions does not count toward it. Last evaluated 2026-09-01.

Conditions:
LAMA5-related disorder. Also called: LAMA5-Related Disorders; LAMA5-related condition.

Allele frequency attached by ClinVar (database versions not stated): 1000 Genomes Project 30x 0.00078; 1000 Genomes Project 0.00100; TOPMed 0.00312; gnomAD 0.00476 and 0.00506; ESP Exome Variant Server 0.00493; ExAC 0.00603.
gnomAD v4.1: 9,441 of 1,611,894 alleles (0.59%); highest among the groups gnomAD compares: Non-Finnish European, 0.67%; 53 homozygotes.

Submissions (6):

CeGaT Center for Human Genetics Tuebingen
Classification: Likely benign. Last evaluated: 2026-09-01. Review status: criteria provided, single submitter. Criteria: CeGaT Center For Human Genetics Tuebingen Variant Classification Criteria Version 2. Collection method: clinical testing. Allele origin: germline. Affected: yes. Observed: 10 variant alleles.
Comment: LAMA5: BS2

Labcorp Genetics (formerly Invitae), Labcorp
Classification: Benign. Last evaluated: 2025-10-29. Review status: criteria provided, single submitter. Criteria: Invitae Variant Classification Sherloc (09022015). Collection method: clinical testing. Allele origin: germline.

Mayo Clinic Laboratories, Mayo Clinic
Classification: Benign. Last evaluated: 2025-08-06. Review status: criteria provided, single submitter. Criteria: ACMG Guidelines, 2015. Collection method: clinical testing. Allele origin: germline. Observed: 1 variant allele.
Comment: BS1, BS2

GeneDx
Classification: Benign. Last evaluated: 2021-04-29. Review status: criteria provided, single submitter. Criteria: GeneDx Variant Classification Process June 2021. Collection method: clinical testing. Allele origin: germline. Affected: yes.

Breakthrough Genomics
Classification: Benign. Review status: criteria provided, single submitter. Criteria: ACMG Guidelines, 2015. Collection method: not provided. Allele origin: germline. Inheritance: Autosomal recessive inheritance. Affected: yes.

PreventionGenetics, part of Exact Sciences
Classification: Benign for LAMA5-related condition. Last evaluated: 2021-11-23. Review status: no assertion criteria provided. Collection method: clinical testing. Allele origin: germline. Not counted in ClinVar's aggregate classification.
Comment: This variant is classified as benign based on ACMG/AMP sequence variant interpretation guidelines (Richards et al. 2015 PMID: 25741868, with internal and published modifications).

NM_005560.6(LAMA5):c.5627G>T (p.Gly1876Val)

Gene: LAMA5 (laminin subunit alpha 5; minus strand). Cytogenetic location: 20q13.33.
Variant type: single nucleotide variant.
Coding change: c.5627G>T on transcript NM_005560.6 (MANE Select); coding-DNA position 5627, G replaced by T.
Protein change: p.Gly1876Val; replaces glycine 1876 with valine.
Molecular consequence: missense variant.
Genome position (GRCh38, 1-based): chr20:62,324,457, C>A on the plus strand (G>T on the coding strand, the complement: LAMA5 is on the minus strand). VCF-style: chr20-62324457-C-A. GRCh37 (hg19) VCF-style: chr20-60899513-C-A.
Other names: p.Gly1876Val; short protein forms G1876V.
Identifiers: ClinVar variation 781768 (VCV000781768.35), dbSNP rs148177752, ClinGen allele CA9942126.